The following is an entry in ClinVar:

NM_001127222.2(CACNA1A):c.1377T>G (p.Ser459Arg)

Gene: CACNA1A (calcium voltage-gated channel subunit alpha1 A; minus strand). Cytogenetic location: 19p13.13.
Variant type: single nucleotide variant.
Coding change: c.1377T>G on transcript NM_001127222.2 (MANE Select); coding-DNA position 1377, T replaced by G.
Protein change: p.Ser459Arg; replaces serine 459 with arginine.
Molecular consequence: missense variant.
Genome position (GRCh38, 1-based): chr19:13,317,290, A>C on the plus strand (T>G on the coding strand, the complement: CACNA1A is on the minus strand). VCF-style: chr19-13317290-A-C. GRCh37 (hg19) VCF-style: chr19-13428104-A-C.
Other names: p.Ser460Arg; c.1380T>G, p.Ser460Arg (NM_000068.4, NM_001127221.2, NM_001174080.2 and 1 more transcripts); c.1380T>G (NM_001127221.1); short protein forms S459R, S460R.
Identifiers: ClinVar variation 1017057 (VCV001017057.10), dbSNP rs769335170, ClinGen allele CA9240824.

ClinVar aggregate classification (germline): Conflicting classifications of pathogenicity. Review status: criteria provided, conflicting classifications (1 of 4 stars). 2 submissions from 2 submitters: Uncertain significance (1); Likely benign (1). Last evaluated 2024-12-02.

Conditions:
Developmental and epileptic encephalopathy, 42 (DEE42A). Also called: DEVELOPMENTAL AND EPILEPTIC ENCEPHALOPATHY 42A; EPILEPTIC ENCEPHALOPATHY, EARLY INFANTILE, 42A; Epileptic encephalopathy, early infantile, 42. Identifiers: MedGen C4310716, MONDO:0014917, OMIM 617106.
Episodic ataxia type 2 (EA2). Also called: ACETAZOLAMIDE-RESPONSIVE HEREDITARY PAROXYSMAL CEREBELLAR ATAXIA; EPISODIC ATAXIA, NYSTAGMUS-ASSOCIATED; ATAXIA, EPISODIC, WITH NYSTAGMUS; ATAXIA, FAMILIAL PAROXYSMAL; CEREBELLAR ATAXIA, PAROXYSMAL, ACETAZOLAMIDE-RESPONSIVE; CEREBELLOPATHY, HEREDITARY PAROXYSMAL. Identifiers: Orphanet 97, MedGen C1720416, MONDO:0007163, OMIM 108500.

Allele frequency attached by ClinVar (database versions not stated): TOPMed 0.00001; gnomAD 0.00001.
gnomAD v4.1: 8 of 1,610,086 alleles (0.0005%); highest among the groups gnomAD compares: African/African-American, 0.0027%; no homozygotes.

Submissions (2):

Labcorp Genetics (formerly Invitae), Labcorp
Classification: Likely benign for Developmental and epileptic encephalopathy, 42; Episodic ataxia type 2. Last evaluated: 2024-12-02. Review status: criteria provided, single submitter. Criteria: Invitae Variant Classification Sherloc (09022015). Collection method: clinical testing. Allele origin: germline.

Mayo Clinic Laboratories, Mayo Clinic
Classification: Uncertain significance. Last evaluated: 2024-11-19. Review status: criteria provided, single submitter. Criteria: ACMG Guidelines, 2015. Collection method: clinical testing. Allele origin: germline. Observed: 1 variant allele.
Comment: BS2